The following is an entry in ClinVar:

NM_002691.4(POLD1):c.1307T>C (p.Phe436Ser)

Gene: POLD1 (DNA polymerase delta 1, catalytic subunit; plus strand). Cytogenetic location: 19q13.33.
Variant type: single nucleotide variant.
Coding change: c.1307T>C on transcript NM_002691.4 (MANE Select); coding-DNA position 1307, T replaced by C.
Protein change: p.Phe436Ser; replaces phenylalanine 436 with serine.
Molecular consequence: missense variant. On other transcripts: non-coding transcript variant (1).
Genome position (GRCh38, 1-based): chr19:50,406,246, T>C. VCF-style: chr19-50406246-T-C. GRCh37 (hg19) VCF-style: chr19-50909503-T-C.
Other names: c.1307T>C, p.Phe436Ser (NM_001256849.1, NM_001308632.1); c.1307T>C (NM_002691.2); short protein forms F436S.
Identifiers: ClinVar variation 1051032 (VCV001051032.10), dbSNP rs2122318510, ClinGen allele CA406979837.

ClinVar aggregate classification (germline): Uncertain significance. Review status: criteria provided, multiple submitters, no conflicts (2 of 4 stars). 2 submissions from 2 submitters: Uncertain significance (2). Last evaluated 2025-11-17.

Conditions:
Hereditary cancer-predisposing syndrome. Also called: Tumor predisposition; Hereditary Cancer Syndrome; Hereditary neoplastic syndrome; Neoplastic Syndromes, Hereditary. Identifiers: Orphanet 140162, MedGen C0027672, MeSH D009386, MONDO:0015356.
POLD1-related polyposis and colorectal cancer syndrome (CRCS10). Also called: Colorectal cancer 10; COLORECTAL CANCER, SUSCEPTIBILITY TO, ON CHROMOSOME 19q; Colorectal cancer, susceptibility to, 10. Identifiers: Orphanet 220460, MedGen C2675481, MONDO:0012953, OMIM 612591.

Submissions (2):

Ambry Genetics
Classification: Uncertain significance for Hereditary cancer-predisposing syndrome. Last evaluated: 2025-11-17. Review status: criteria provided, single submitter. Criteria: Ambry Variant Classification Scheme 2023. Collection method: clinical testing. Allele origin: germline.
Comment: The p.F436S variant (also known as c.1307T>C), located in coding exon 10 of the POLD1 gene, results from a T to C substitution at nucleotide position 1307. The phenylalanine at codon 436 is replaced by serine, an amino acid with highly dissimilar properties. This amino acid position is conserved. In addition, this alteration is predicted to be tolerated by in silico analysis. Based on the available evidence, the clinical significance of this variant remains unclear.

Labcorp Genetics (formerly Invitae), Labcorp
Classification: Uncertain significance for POLD1-related polyposis and colorectal cancer syndrome. Last evaluated: 2020-08-29. Review status: criteria provided, single submitter. Criteria: Invitae Variant Classification Sherloc (09022015). Collection method: clinical testing. Allele origin: germline.
Comment: In summary, the available evidence is currently insufficient to determine the role of this variant in disease. Therefore, it has been classified as a Variant of Uncertain Significance. Algorithms developed to predict the effect of missense changes on protein structure and function are either unavailable or do not agree on the potential impact of this missense change (SIFT: "Deleterious"; PolyPhen-2: "Possibly Damaging"; Align-GVGD: "Class C0"). This variant has not been reported in the literature in individuals with POLD1-related conditions. This variant is not present in population databases (ExAC no frequency). This sequence change replaces phenylalanine with serine at codon 436 of the POLD1 protein (p.Phe436Ser). The phenylalanine residue is moderately conserved and there is a large physicochemical difference between phenylalanine and serine.